The following is an entry in ClinVar:

ClinVar aggregate classification (germline): Uncertain significance (1 of 4 stars; one submission).

Conditions:
Neurofibromatosis, type 2 (SWNV). Also called: BILATERAL ACOUSTIC NEUROFIBROMATOSIS; NF2-Related Schwannomatosis; SCHWANNOMATOSIS, VESTIBULAR. Identifiers: Orphanet 637, MedGen C0027832, MONDO:0007039, OMIM 101000. Disease mechanism: loss of function.

Submission:

Color Diagnostics, LLC DBA Color Health
Classification: Uncertain significance for Neurofibromatosis, type 2. Last evaluated: 2025-06-23. Review status: criteria provided, single submitter. Criteria: ACMG Guidelines, 2015. Collection method: clinical testing. Allele origin: germline.
Comment: This missense variant replaces glutamine with glutamic acid at codon 538 of the NF2 protein. Computational prediction is inconclusive regarding the impact of this variant on protein structure and function. To our knowledge, functional studies have not been reported for this variant. This variant has not been reported in individuals affected with NF2-related disorders in the literature. This variant has not been identified in the general population by the Genome Aggregation Database (gnomAD). The available evidence is insufficient to determine the role of this variant in disease conclusively. Therefore, this variant is classified as a Variant of Uncertain Significance.

NM_000268.4(NF2):c.1612C>G (p.Gln538Glu)

Gene: NF2 (NF2, moesin-ezrin-radixin like (MERLIN) tumor suppressor; plus strand). Cytogenetic location: 22q12.2.
Variant type: single nucleotide variant.
Coding change: c.1612C>G on transcript NM_000268.4 (MANE Select); coding-DNA position 1612, C replaced by G.
Protein change: p.Gln538Glu; replaces glutamine 538 with glutamic acid.
Molecular consequence: missense variant. On other transcripts: intron variant (3).
Genome position (GRCh38, 1-based): chr22:29,681,476, C>G. VCF-style: chr22-29681476-C-G. GRCh37 (hg19) VCF-style: chr22-30077465-C-G.
Other names: c.1498C>G, p.Gln500Glu (NM_001407053.1, NM_001407056.1); c.1489C>G, p.Gln497Glu (NM_001407054.1, NM_001407058.1, NM_181829.3); c.1486C>G, p.Gln496Glu (NM_001407055.1, NM_181828.3); c.1477C>G, p.Gln493Glu (NM_001407057.1, NM_001407059.1); c.1354C>G, p.Gln452Glu (NM_001407062.1); c.1363C>G, p.Gln455Glu (NM_001407063.1, NM_181830.3, NM_181831.3); c.1078C>G, p.Gln360Glu (NM_001407065.1); c.1612C>G, p.Gln538Glu (NM_001407066.1, NM_016418.5, NM_181825.3 and 1 more transcripts); and 4 more; short protein forms Q360E, Q452E, Q455E, Q461E, Q493E, Q496E, Q497E, Q500E.
Identifiers: ClinVar variation 4756875 (VCV004756875.1).